The following is an entry in ClinVar:

NM_001278716.2(FBXL4):c.989C>T (p.Ala330Val)

Gene: FBXL4 (F-box and leucine rich repeat protein 4; minus strand). Cytogenetic location: 6q16.2.
Variant type: single nucleotide variant.
Coding change: c.989C>T on transcript NM_001278716.2 (MANE Select); coding-DNA position 989, C replaced by T.
Protein change: p.Ala330Val; replaces alanine 330 with valine.
Molecular consequence: missense variant. On other transcripts: non-coding transcript variant (2).
Genome position (GRCh38, 1-based): chr6:98,905,540, G>A on the plus strand (C>T on the coding strand, the complement: FBXL4 is on the minus strand). VCF-style: chr6-98905540-G-A. GRCh37 (hg19) VCF-style: chr6-99353416-G-A.
Other names: c.989C>T, p.Ala330Val (NM_012160.5); short protein forms A330V.
Identifiers: ClinVar variation 437671 (VCV000437671.1), dbSNP rs368886622, ClinGen allele CA3933567.
Genomic context (GRCh38, chr6:98,905,540, plus strand): 5'-AGCCACTGGACAAGAGTGCAGCGAGACTGTAGAAATTCCAGAGAAGTGTCATCTAGTTTT[G>A]CCCAGTATGGTTGCAGATTGAGGTGGATGTATTGCAGAGGATCACAGCAATGCTGGCTCA-3'
Protein context (NP_001265645.1, residues 320-340): YIHLNLQPYW[Ala330Val]KLDDTSLEFL

ClinVar aggregate classification (germline): Uncertain significance (1 of 4 stars; one submission).

Conditions:
Mitochondrial DNA depletion syndrome 13. Also called: FBXL4-Related Encephalomyopathic Mitochondrial DNA Depletion Syndrome; Mitochondrial DNA depletion syndrome 13 (encephalomyopathic type). Identifiers: Orphanet 369897, MedGen C3809592, MONDO:0014198, OMIM 615471.

Allele frequency attached by ClinVar (database versions not stated): TOPMed 0.00001.

Submission:

Wong Mito Lab, Molecular and Human Genetics, Baylor College of Medicine
Classification: Uncertain significance for Mitochondrial DNA depletion syndrome 13. Last evaluated: 2017-08-10. Review status: criteria provided, single submitter. Criteria: ACMG Guidelines, 2015. Collection method: reference population. Allele origin: germline.
Comment: The NM_012160.4:c.989C>T (NP_036292.2:p.Ala330Val) [GRCH38: NC_000006.12:g.98905540G>A] variant in FBXL4 gene is interpretated to be a Uncertain Significance - Insufficient Evidence based on ACMG guidelines (PMID: 25741868). This variant meets one or more of the following evidence codes reported in the ACMG-guideline. PM2:This variant is absent in key population databases. Based on this evidence code ClinGen Pathogenicity Calculator (PMID:28081714) suggested that the variant is Uncertain Significance - Insufficient Evidence.